The following is an entry in ClinVar:

NM_000091.5(COL4A3):c.600G>A (p.Pro200=)

Genes: MFF-DT (MFF divergent transcript; minus strand), COL4A3 (collagen type IV alpha 3 chain; plus strand). Cytogenetic location: 2q36.3.
Variant type: single nucleotide variant.
Coding change: c.600G>A on transcript NM_000091.5 (MANE Select); coding-DNA position 600, G replaced by A.
Protein change: p.Pro200=; no amino-acid change (proline 200 retained).
Molecular consequence: synonymous variant.
Genome position (GRCh38, 1-based): chr2:227,251,193, G>A. VCF-style: chr2-227251193-G-A. GRCh37 (hg19) VCF-style: chr2-228115909-G-A.
Identifiers: ClinVar variation 4689719 (VCV004689719.2).

ClinVar aggregate classification (germline): Conflicting classifications of pathogenicity. Review status: criteria provided, conflicting classifications (1 of 4 stars). 2 submissions from 2 submitters: Uncertain significance (1); Likely benign (1). Last evaluated 2026-01-26.

gnomAD v4.1: 19 of 1,613,338 alleles (0.0012%); highest among the groups gnomAD compares: Non-Finnish European, 0.0015%; no homozygotes.

Submissions (2):

Women's Health and Genetics/Laboratory Corporation of America, LabCorp
Classification: Likely benign. Last evaluated: 2026-01-26. Review status: criteria provided, single submitter. Criteria: LabCorp Variant Classification Summary - May 2015. Collection method: clinical testing. Allele origin: germline.
Comment: Variant summary: COL4A3 c.600G>A alters a conserved nucleotide resulting in a synonymous change. Consensus agreement among computation tools predict no significant impact on normal splicing. However, these predictions have yet to be confirmed by functional studies. The variant allele was found at a frequency of 1.2e-05 in 249290 control chromosomes. The available data on variant occurrences in the general population are insufficient to allow any conclusion about variant significance. To our knowledge, no occurrence of c.600G>A in individuals affected with COL4A3-related conditions and no experimental evidence demonstrating its impact on protein function have been reported. No submitters have cited clinical-significance assessments for this variant to ClinVar. Based on the evidence outlined above, the variant was classified as likely benign.

Blueprint Genetics
Classification: Uncertain significance. Last evaluated: 2021-11-26. Review status: criteria provided, single submitter. Criteria: ACMG Guidelines, 2015. Collection method: clinical testing. Allele origin: germline.